The following is an entry in ClinVar:

ClinVar aggregate classification (germline): Uncertain significance. Review status: criteria provided, multiple submitters, no conflicts (2 of 4 stars). 2 submissions from 2 submitters: Uncertain significance (2). Last evaluated 2026-06-02.

Conditions:
TOPORS-related disorder. Also called: TOPORS-related condition.

Allele frequency attached by ClinVar (database versions not stated): gnomAD exomes 0.00001; TOPMed 0.00001; gnomAD 0.00002.
gnomAD v4.1: 8 of 1,614,158 alleles (0.0005%); highest among the groups gnomAD compares: Admixed American, 0.012%; no homozygotes.

Submissions (2):

PreventionGenetics, part of Exact Sciences
Classification: Uncertain significance for TOPORS-related condition. Last evaluated: 2026-06-02. Review status: criteria provided, single submitter. Criteria: ACMG Guidelines, 2015. Collection method: clinical testing. Allele origin: germline.
Comment: The TOPORS c.2264A>G variant is predicted to result in the amino acid substitution p.Asn755Ser. This variant has been reported in the heterozygous state in an individual with inherited retinal disease (Sullivan et al. 2013. PubMed ID: 23950152). This variant is reported in 0.0087% of alleles in individuals of Latino descent in gnomAD. At this time, the clinical significance of this variant is uncertain due to the absence of conclusive functional and genetic evidence.

Labcorp Genetics (formerly Invitae), Labcorp
Classification: Uncertain significance. Last evaluated: 2024-10-29. Review status: criteria provided, single submitter. Criteria: Invitae Variant Classification Sherloc (09022015). Collection method: clinical testing. Allele origin: germline.
Comment: This sequence change replaces asparagine, which is neutral and polar, with serine, which is neutral and polar, at codon 755 of the TOPORS protein (p.Asn755Ser). This variant is present in population databases (no rsID available, gnomAD 0.009%). This missense change has been observed in individual(s) with retinitis pigmentosa (PMID: 23950152). ClinVar contains an entry for this variant (Variation ID: 1929676). An algorithm developed to predict the effect of missense changes on protein structure and function outputs the following: PolyPhen-2: "Not Available". The serine amino acid residue is found in multiple mammalian species, which suggests that this missense change does not adversely affect protein function. In summary, the available evidence is currently insufficient to determine the role of this variant in disease. Therefore, it has been classified as a Variant of Uncertain Significance.

Literature cited by the submitters: PubMed 23950152 (cited by Labcorp Genetics (formerly Invitae), Labcorp).

NM_005802.5(TOPORS):c.2264A>G (p.Asn755Ser)

Gene: TOPORS (TOP1 binding arginine/serine rich protein, E3 ubiquitin ligase; minus strand). Cytogenetic location: 9p21.1.
Variant type: single nucleotide variant.
Coding change: c.2264A>G on transcript NM_005802.5 (MANE Select); coding-DNA position 2264, A replaced by G.
Protein change: p.Asn755Ser; replaces asparagine 755 with serine.
Molecular consequence: missense variant.
Genome position (GRCh38, 1-based): chr9:32,542,261, T>C on the plus strand (A>G on the coding strand, the complement: TOPORS is on the minus strand). VCF-style: chr9-32542261-T-C. GRCh37 (hg19) VCF-style: chr9-32542259-T-C.
Other names: c.2264A>G (NM_005802.4); c.2069A>G, p.Asn690Ser (NM_001195622.2); short protein forms N690S, N755S.
Identifiers: ClinVar variation 1929676 (VCV001929676.6), dbSNP rs1265171562, ClinGen allele CA373165031.
Genomic context (GRCh38, chr9:32,542,261, plus strand): 5'-TTACTAGACAGGCTCCTTGATCTGTGCCTTTCATAGTAGTAATACTTCCTCTCACTGTGA[T>C]TATTTTTTTTCCTAGCATTTGTTCTTTCAGAAAAGGACTGAACTCTAAATTCTGGACTTG-3'
Protein context (NP_005793.2, residues 745-765): SERTNARKKN[Asn755Ser]HSERKYYYYE